The following is an entry in ClinVar:

NM_007294.4(BRCA1):c.2252T>C (p.Met751Thr)

Gene: BRCA1 (BRCA1 DNA repair associated; minus strand). Cytogenetic location: 17q21.31.
Variant type: single nucleotide variant.
Coding change: c.2252T>C on transcript NM_007294.4 (MANE Select); coding-DNA position 2252, T replaced by C.
Protein change: p.Met751Thr; replaces methionine 751 with threonine.
Molecular consequence: missense variant. On other transcripts: intron variant (137).
Genome position (GRCh38, 1-based): chr17:43,093,279, A>G on the plus strand (T>C on the coding strand, the complement: BRCA1 is on the minus strand). VCF-style: chr17-43093279-A-G. GRCh37 (hg19) VCF-style: chr17-41245296-A-G.
Other names: 2371T>C; c.2126T>C, p.Met709Thr (NM_001407941.1, NM_001407649.1, NM_001407670.1 and 11 more transcripts); c.2111T>C, p.Met704Thr (NM_001407942.1, NM_001407944.1, NM_001407945.1 and 29 more transcripts); c.2108T>C, p.Met703Thr (NM_001407943.1, NM_001407964.1, NM_001407745.1 and 20 more transcripts); c.1916T>C, p.Met639Thr (NM_001407956.1, NM_001407958.1, NM_001407954.1 and 1 more transcripts); c.1919T>C, p.Met640Thr (NM_001407957.1, NM_001407946.1, NM_001407947.1 and 6 more transcripts); c.1871T>C, p.Met624Thr (NM_001407959.1, NM_001407960.1, NM_001407963.1); c.1868T>C, p.Met623Thr (NM_001407962.1); and 42 more; short protein forms M751T, M704T, M455T, M640T, M662T, M663T, M680T, M623T.
Identifiers: ClinVar variation 141357 (VCV000141357.32), dbSNP rs587781684, ClinGen allele CA001508.

ClinVar aggregate classification (germline): Conflicting classifications of pathogenicity. Review status: criteria provided, conflicting classifications (1 of 4 stars). 10 submissions from 10 submitters: Uncertain significance (4); Likely benign (5). 1 of the submissions does not count toward it. Last evaluated 2026-01-11.

Conditions:
BRCA1-related cancer predisposition. Identifiers: MedGen CN377757, MONDO:0700268.
Hereditary cancer-predisposing syndrome. Also called: Tumor predisposition; Hereditary neoplastic syndrome; Hereditary Cancer Syndrome; Neoplastic Syndromes, Hereditary. Identifiers: Orphanet 140162, MedGen C0027672, MeSH D009386, MONDO:0015356.
Hereditary breast ovarian cancer syndrome. Also called: Hereditary breast and/or ovarian cancer syndrome; Breast and ovarian cancer; Hereditary breast and ovarian cancer syndrome; Hereditary breast and ovarian cancer; Hereditary breast and ovarian cancer syndrome (HBOC); BRCA1- and BRCA2-Associated Hereditary Breast and Ovarian Cancer. Identifiers: Orphanet 145, MedGen C0677776, MeSH D061325, MONDO:0003582. Disease mechanism: loss of function.
Breast-ovarian cancer, familial, susceptibility to, 1 (BROVCA1). Also called: BRCA1 Hereditary Breast and Ovarian Cancer; OVARIAN CANCER, SUSCEPTIBILITY TO. Identifiers: Orphanet 145, MedGen C2676676, MONDO:0011450, OMIM 604370. Disease mechanism: loss of function.

Allele frequency attached by ClinVar (database versions not stated): gnomAD exomes below 0.00001 and 0.00001; gnomAD 0.00001; TOPMed 0.00001.
gnomAD v4.1: 13 of 1,613,958 alleles (0.00081%); highest among the groups gnomAD compares: African/African-American, 0.0013%; no homozygotes.

Submissions (10):

Labcorp Genetics (formerly Invitae), Labcorp
Classification: Likely benign for Hereditary breast ovarian cancer syndrome. Last evaluated: 2026-01-11. Review status: criteria provided, single submitter. Criteria: Invitae Variant Classification Sherloc (09022015). Collection method: clinical testing. Allele origin: germline.

Women's Health and Genetics/Laboratory Corporation of America, LabCorp
Classification: Uncertain significance. Last evaluated: 2025-10-27. Review status: criteria provided, single submitter. Criteria: LabCorp Variant Classification Summary - May 2015. Collection method: clinical testing. Allele origin: germline.
Comment: Variant summary: BRCA1 c.2252T>C (p.Met751Thr) results in a non-conservative amino acid change in the encoded protein sequence. Algorithms developed to predict the effect of missense changes on protein structure and function are either unavailable or do not agree on the potential impact of this missense change. The variant allele was found at a frequency of 4e-06 in 251206 control chromosomes. The available data on variant occurrences in the general population are insufficient to allow any conclusion about variant significance. c.2252T>C has been observed in individual(s) affected with Hereditary Breast And Ovarian Cancer Syndrome (Judkins_2005), without strong evidence for causality. These report(s) do not provide unequivocal conclusions about association of the variant with Hereditary Breast And Ovarian Cancer Syndrome. To our knowledge, no experimental evidence demonstrating an impact on protein function has been reported. The following publication have been ascertained in the context of this evaluation (PMID: 16267036). ClinVar contains an entry for this variant (Variation ID: 141357). Based on the evidence outlined above, the variant was classified as uncertain significance.

St. Jude Molecular Pathology, St. Jude Children's Research Hospital
Classification: Uncertain significance for Breast-ovarian cancer, familial, susceptibility to, 1. Last evaluated: 2025-02-05. Review status: criteria provided, single submitter. Criteria: St. Jude Assertion Criteria 2020. Collection method: clinical testing. Allele origin: germline.
Comment: The BRCA1 c.2252T>C (p.Met751Thr) missense change has a maximum subpopulation frequency of 0.0009% in gnomAD v2.1.1. The in silico tool REVEL is inconclusive about a pathogenic or benign effect of this variant on protein function, and to our knowledge functional studies have not been performed. To our knowledge, this variant has not been reported in individuals with HBOC or Fanconi anemia. In summary, the evidence currently available is insufficient to determine the clinical significance of this variant. It has therefore been classified as of uncertain significance.

ARUP Laboratories, Molecular Genetics and Genomics, ARUP Laboratories
Classification: Likely benign. Last evaluated: 2024-12-25. Review status: criteria provided, single submitter. Criteria: ARUP Molecular Germline Variant Investigation Process 2024. Collection method: clinical testing. Allele origin: germline.

Ambry Genetics
Classification: Uncertain significance for Hereditary cancer-predisposing syndrome. Last evaluated: 2024-11-11. Review status: criteria provided, single submitter. Criteria: Ambry Variant Classification Scheme 2023. Collection method: clinical testing. Allele origin: germline.
Comment: The p.M751T variant (also known as c.2252T>C), located in coding exon 9 of the BRCA1 gene, results from a T to C substitution at nucleotide position 2252. The methionine at codon 751 is replaced by threonine, an amino acid with similar properties. This amino acid position is poorly conserved in available vertebrate species. In addition, this alteration is predicted to be tolerated by in silico analysis. Based on the available evidence, the clinical significance of this variant remains unclear.

All of Us Research Program, National Institutes of Health
Classification: Likely benign for BRCA1-related cancer predisposition. Last evaluated: 2024-08-13. Review status: criteria provided, single submitter. Criteria: ACMG Guidelines, 2015. Collection method: clinical testing. Allele origin: germline. Inheritance: Autosomal dominant inheritance. Observed: 2 variant alleles, 2 heterozygotes.
Comment: This study involves interpretation of variants in research participants for the purpose of population health screening. Participant phenotype was not available at the time of variant classification. Additional details can be found in publication PMID: 35346344, PMCID: PMC8962531

University of Washington Department of Laboratory Medicine, University of Washington
Classification: Likely benign for Hereditary cancer-predisposing syndrome. Last evaluated: 2023-03-23. Review status: criteria provided, single submitter. Criteria: Dines et al. (Genet Med. 2020). Collection method: curation. Allele origin: germline.
Comment: Missense variant in a coldspot region where missense variants are very unlikely to be pathogenic (PMID:31911673).

BRCA1 coldspot (exon 11 using historical exon numbering). Reclassification based on statistical prior probability

Quest Diagnostics Nichols Institute San Juan Capistrano
Classification: Uncertain significance. Last evaluated: 2018-03-16. Review status: criteria provided, single submitter. Criteria: Quest Diagnostics criteria. Collection method: clinical testing. Allele origin: germline.

Color Diagnostics, LLC DBA Color Health
Classification: Likely benign for Hereditary cancer-predisposing syndrome. Last evaluated: 2017-10-27. Review status: criteria provided, single submitter. Criteria: ACMG Guidelines, 2015. Collection method: clinical testing. Allele origin: germline.

Sharing Clinical Reports Project (SCRP)
Classification: Benign for Breast-ovarian cancer, familial 1. Last evaluated: 2010-09-08. Review status: no assertion criteria provided. Collection method: clinical testing. Allele origin: germline. Not counted in ClinVar's aggregate classification.

Literature cited by the submitters: PubMed 16267036 (cited by Women's Health and Genetics/Laboratory Corporation of America, LabCorp); PubMed 33471991 (cited by Ambry Genetics).